The following is an entry in ClinVar:

ClinVar aggregate classification (germline): Uncertain significance (1 of 4 stars; one submission).

Submission:

GeneDx
Classification: Uncertain significance. Last evaluated: 2022-09-06. Review status: criteria provided, single submitter. Criteria: GeneDx Variant Classification Process June 2021. Collection method: clinical testing. Allele origin: germline. Affected: yes.
Comment: Not observed at significant frequency in large population cohorts (gnomAD); In-frame deletion of 1 amino acid in a non-repeat region; In silico analysis supports a deleterious effect on protein structure/function; Has not been previously published as pathogenic or benign to our knowledge; Variants in candidate genes are classified as variants of uncertain significance in accordance with ACMG guidelines (Richards et al., 2015)

NM_012308.3(KDM2A):c.1276TCT[1] (p.Ser427del)

Gene: KDM2A (lysine demethylase 2A; plus strand). Cytogenetic location: 11q13.2.
Variant type: Microsatellite.
Coding change: c.1276TCT[1] on transcript NM_012308.3 (MANE Select); one copy of the 3-base unit TCT starting at c.1276; the reference has two copies in a row; one copy, 3 bases deleted.
Protein change: p.Ser427del; deletes serine 427.
Molecular consequence: non-coding transcript variant (on NR_027473.2).
Genome position (GRCh38, 1-based): chr11:67,231,760-67,231,762, TCT deleted; deleting any 3 consecutive bases within chr11:67,231,757-67,231,762 gives the same sequence; the position shown is the placement nearest the transcript's 3' end. VCF-style (leftmost placement, unchanged base first): chr11-67231756-ATCT-A. GRCh37 (hg19) VCF-style: chr11-66999227-ATCT-A.
Other names: short protein forms S427del.
Identifiers: ClinVar variation 4526973 (VCV004526973.1).